The following is an entry in ClinVar:

NM_000228.3(LAMB3):c.810del (p.Thr271fs)

Gene: LAMB3 (laminin subunit beta 3; minus strand). Cytogenetic location: 1q32.2.
Variant type: Deletion.
Coding change: c.810del on transcript NM_000228.3 (MANE Select); coding-DNA position 810, one base deleted (C; older notation c.810delC).
Protein change: p.Thr271fs; shifts the reading frame from threonine 271.
Molecular consequence: frameshift variant.
Genome position (GRCh38, 1-based): chr1:209,632,595, G deleted on the plus strand (C on the coding strand, the reverse complement: LAMB3 is on the minus strand); the first of 2 consecutive G bases (chr1:209,632,595-209,632,596); deleting either gives the same sequence. VCF-style (leftmost placement, unchanged base first): chr1-209632594-TG-T. GRCh37 (hg19) VCF-style: chr1-209805939-TG-T.
Other names: c.810del, p.Thr271fs (NM_001017402.2, NM_001127641.1); short protein forms T271fs.
Identifiers: ClinVar variation 2734072 (VCV002734072.3), dbSNP rs1666731161, ClinGen allele CA1011769436.

ClinVar aggregate classification (germline): Pathogenic (1 of 4 stars; one submission).

Submission:

Labcorp Genetics (formerly Invitae), Labcorp
Classification: Pathogenic. Last evaluated: 2023-03-08. Review status: criteria provided, single submitter. Criteria: Invitae Variant Classification Sherloc (09022015). Collection method: clinical testing. Allele origin: germline.
Comment: This sequence change creates a premature translational stop signal (p.Thr271Profs*125) in the LAMB3 gene. It is expected to result in an absent or disrupted protein product. Loss-of-function variants in LAMB3 are known to be pathogenic (PMID: 11023379, 16473856). For these reasons, this variant has been classified as Pathogenic. This premature translational stop signal has been observed in individual(s) with junctional epidermolysis bullosa (PMID: 27375110, 35234826). This variant is not present in population databases (gnomAD no frequency).

Literature cited by the submitters: PubMed 11023379; PubMed 16473856; PubMed 27375110; PubMed 35234826.